The following is an entry in ClinVar:

NM_015272.5(RPGRIP1L):c.3706C>T (p.Arg1236Cys)

Gene: RPGRIP1L (RPGRIP1 like; minus strand). Cytogenetic location: 16q12.2.
Variant type: single nucleotide variant.
Coding change: c.3706C>T on transcript NM_015272.5 (MANE Select); coding-DNA position 3706, C replaced by T.
Protein change: p.Arg1236Cys; replaces arginine 1236 with cysteine.
Molecular consequence: missense variant.
Genome position (GRCh38, 1-based): chr16:53,605,610, G>A on the plus strand (C>T on the coding strand, the complement: RPGRIP1L is on the minus strand). VCF-style: chr16-53605610-G-A. GRCh37 (hg19) VCF-style: chr16-53639522-G-A.
Other names: c.3466C>T, p.Arg1156Cys (NM_001127897.4); c.3568C>T, p.Arg1190Cys (NM_001308334.3); c.3604C>T, p.Arg1202Cys (NM_001330538.2); c.3706C>T (NM_015272.4); short protein forms R1156C, R1236C, R1190C, R1202C.
Identifiers: ClinVar variation 235636 (VCV000235636.63), dbSNP rs151332923, ClinGen allele CA8057196.
Genomic context (GRCh38, chr16:53,605,610, plus strand): 5'-CAATGTCCTCACACTCCAGGTCCTGCTCGTCCTCTGGAGGGTCACTGACCACGGTGAAGC[G>A]AAGGCTGGTAAGGCAGAGATCAGAGAAAGTCACCACCAAGTGAGAAGAAATCACCACGAG-3'
Protein context (NP_056087.2, residues 1226-1246): QKQEMPNRSL[Arg1236Cys]FTVVSDPPED

ClinVar aggregate classification (germline): Conflicting classifications of pathogenicity. Review status: criteria provided, conflicting classifications (1 of 4 stars). 14 submissions from 12 submitters: Uncertain significance (12); Likely benign (1). 1 of the submissions does not count toward it. Last evaluated 2026-06-04.

Conditions:
Meckel syndrome, type 5 (MKS5). Identifiers: Orphanet 564, MedGen C1969052, MONDO:0012695, OMIM 611561.
COACH syndrome 3. Identifiers: MedGen C5436841, MONDO:0030862, OMIM 619113.
Joubert syndrome 7 (JBTS7). Identifiers: Orphanet 220497, MedGen C1969053, MONDO:0012694, OMIM 611560.
Meckel-Gruber syndrome. Also called: DYSENCEPHALIA SPLANCHNOCYSTICA; GRUBER SYNDROME; Dysencephalia splachnocystica. Identifiers: Orphanet 564, MedGen C0265215, MONDO:0018921.
Joubert syndrome. Also called: Familial aplasia of the vermis; JOUBERT-BOLTSHAUSER SYNDROME. Identifiers: Orphanet 475, MedGen C5979921, MONDO:0018772.
RPGRIP1L-related disorder. Also called: RPGRIP1L-related disorders; RPGRIP1L-related condition. Identifiers: MedGen CN239416.
Nephronophthisis 8. Identifiers: MedGen CN119610.
COACH syndrome 1. Identifiers: Orphanet 1454, MedGen C5435651, MONDO:0800103, OMIM 216360, MONDO:0008996.

Allele frequency attached by ClinVar (database versions not stated): gnomAD exomes 0.00055 and 0.00104; gnomAD 0.00060 and 0.00061; ExAC 0.00061; TOPMed 0.00070; ESP Exome Variant Server 0.00123.
gnomAD v4.1: 1,611 of 1,613,988 alleles (0.1%); highest among the groups gnomAD compares: Non-Finnish European, 0.12%; no homozygotes.

Submissions (14):

PreventionGenetics, part of Exact Sciences
Classification: Uncertain significance for RPGRIP1L-related condition. Last evaluated: 2026-06-04. Review status: criteria provided, single submitter. Criteria: ACMG Guidelines, 2015. Collection method: clinical testing. Allele origin: germline.
Comment: The RPGRIP1L c.3706C>T variant is predicted to result in the amino acid substitution p.Arg1236Cys. This variant has been reported in an individual with Meckel syndrome in the absence of a second variant (Khanna et al. 2009. PubMed ID: 19430481) as well as in a fetus with Meckel syndrome in the compound heterozygous state to a likely pathogenic variant (Moreno-Leon et al. 2022. PubMed ID: 36061204). This variant has also been reported in the compound heterozygous state in an individual with subcortical heterotopia (Uzquiano et al. 2019. PubMed ID: 31390572). This variant is reported in 0.095% of alleles in individuals of European (non-Finnish) descent in gnomAD. Although we suspect that this variant may be pathogenic, at this time, the clinical significance of this variant is uncertain due to the absence of conclusive functional and genetic evidence.

Women's Health and Genetics/Laboratory Corporation of America, LabCorp
Classification: Uncertain significance. Last evaluated: 2025-11-06. Review status: criteria provided, single submitter. Criteria: LabCorp Variant Classification Summary - May 2015. Collection method: clinical testing. Allele origin: germline.
Comment: Variant summary: RPGRIP1L c.3706C>T (p.Arg1236Cys) results in a non-conservative amino acid change located in the RPGRIP1, C-terminal domain (IPR041091) of the encoded protein sequence. Algorithms developed to predict the effect of missense changes on protein structure and function are either unavailable or do not agree on the potential impact of this missense change. The variant allele was found at a frequency of 0.00055 in 251036 control chromosomes (gnomAD). This frequency is not significantly higher than estimated for disease-causing variants in RPGRIP1L, allowing no conclusion about variant significance. c.3706C>T has been reported in the literature in an individual with a clinical diagnosis of Meckel syndrome but was heterozygous for this variant (Khanna_2009, Moreno-Leon_2022). These data do not allow any conclusion about variant significance. Functional assessment for this variant in the zebrafish model was pathogenic (Khanna_2009). In two studies showed the variant impaired subcellular localization and interactions with EML1 (Uzquiano_2019, Moreno-Leon_2022). At least one publication reports experimental evidence evaluating an impact on protein function. The most pronounced variant effect results in >50%-90% of normal activity. The following publications have been ascertained in the context of this evaluation (PMID: 36068917, 19430481, 36061204, 28771248, 31390572). ClinVar contains an entry for this variant (Variation ID: 235636). Based on the evidence outlined above, the variant was classified as uncertain significance.

Blueprint Genetics
Classification: Likely benign. Last evaluated: 2024-10-15. Review status: criteria provided, single submitter. Criteria: ACMG Guidelines, 2015. Collection method: clinical testing. Allele origin: germline.

Fulgent Genetics
Classification: Uncertain significance for Joubert syndrome 7; Meckel syndrome, type 5; COACH syndrome 3. Last evaluated: 2024-01-26. Review status: criteria provided, single submitter. Criteria: ACMG Guidelines, 2015. Collection method: clinical testing. Allele origin: germline.

GeneDx
Classification: Uncertain significance. Last evaluated: 2023-06-21. Review status: criteria provided, single submitter. Criteria: GeneDx Variant Classification Process June 2021. Collection method: clinical testing. Allele origin: germline. Affected: yes.
Comment: Published functional studies suggest a damaging effect; R1236C failed to rescue morpholino phenotype in zebrafish and another study demonstrated impaired binding to EML1 (Khanna et al., 2009; Uzquiano et al., 2019); Observed with a missense variant on the opposite allele (in trans) in a patient with subcortical heterotopia (Uzquiano et al., 2019); Observed in an individual with a clinical diagnosis of Meckel-Gruber syndrome without a second variant in the RPGRIP1L gene identified (Khanna et al., 2009); In silico analysis supports that this missense variant has a deleterious effect on protein structure/function; This variant is associated with the following publications: (PMID: 19430481, 31390572, 34426522, 36068917, 36061204)

Labcorp Genetics (formerly Invitae), Labcorp
Classification: Uncertain significance for Joubert syndrome; Meckel-Gruber syndrome. Last evaluated: 2022-10-13. Review status: criteria provided, single submitter. Criteria: Invitae Variant Classification Sherloc (09022015). Collection method: clinical testing. Allele origin: germline.
Comment: This sequence change replaces arginine, which is basic and polar, with cysteine, which is neutral and slightly polar, at codon 1236 of the RPGRIP1L protein (p.Arg1236Cys). This variant is present in population databases (rs151332923, gnomAD 0.1%), and has an allele count higher than expected for a pathogenic variant. This missense change has been observed in individual(s) with clinical features of RPGRIP1L-related conditions and/or Meckel syndrome (PMID: 19430481, 31390572). ClinVar contains an entry for this variant (Variation ID: 235636). Advanced modeling of protein sequence and biophysical properties (such as structural, functional, and spatial information, amino acid conservation, physicochemical variation, residue mobility, and thermodynamic stability) performed at Invitae indicates that this missense variant is expected to disrupt RPGRIP1L protein function. Experimental studies have shown that this missense change affects RPGRIP1L function (PMID: 31390572). In summary, the available evidence is currently insufficient to determine the role of this variant in disease. Therefore, it has been classified as a Variant of Uncertain Significance.

Revvity Omics, Revvity
Classification: Uncertain significance. Last evaluated: 2021-11-19. Review status: criteria provided, single submitter. Criteria: ACMG Guidelines, 2015. Collection method: clinical testing. Allele origin: germline.

Baylor Genetics
Classification: Uncertain significance for COACH syndrome 1. Last evaluated: 2018-05-07. Review status: criteria provided, single submitter. Criteria: ACMG Guidelines, 2015. Collection method: clinical testing. Allele origin: unknown. Affected: yes.
Comment: This variant was determined to be of uncertain significance according to ACMG Guidelines, 2015 [PMID:25741868].

Eurofins Ntd Llc (ga)
Classification: Uncertain significance. Last evaluated: 2018-04-23. Review status: criteria provided, single submitter. Criteria: EGL ClinVar v180209 classification definitions. Collection method: clinical testing. Allele origin: germline. Observed: 5 variant alleles, 5 heterozygotes.

Illumina Laboratory Services, Illumina
Classification: Uncertain significance for Joubert syndrome 7. Last evaluated: 2017-04-27. Review status: criteria provided, single submitter. Criteria: ICSL Variant Classification Criteria 13 December 2019. Collection method: clinical testing. Allele origin: germline.

Illumina Laboratory Services, Illumina
Classification: Uncertain significance for Meckel syndrome, type 5. Last evaluated: 2017-04-27. Review status: criteria provided, single submitter. Criteria: ICSL Variant Classification Criteria 13 December 2019. Collection method: clinical testing. Allele origin: germline.

Illumina Laboratory Services, Illumina
Classification: Uncertain significance for Nephronophthisis 8. Last evaluated: 2017-04-27. Review status: criteria provided, single submitter. Criteria: ICSL Variant Classification Criteria 13 December 2019. Collection method: clinical testing. Allele origin: germline.

Center for Pediatric Genomic Medicine, Children's Mercy Hospital and Clinics
Classification: Uncertain significance. Last evaluated: 2015-12-23. Review status: criteria provided, single submitter. Criteria: ACMG Guidelines, 2015. Collection method: clinical testing. Allele origin: germline.
ClinVar note: Converted during submission from Uncertain Significance to Uncertain significance.

Natera, Inc.
Classification: Uncertain significance for Joubert syndrome. Last evaluated: 2020-09-16. Review status: no assertion criteria provided. Collection method: clinical testing. Allele origin: germline. Not counted in ClinVar's aggregate classification.

Literature cited by the submitters: PubMed 28771248 (cited by Women's Health and Genetics/Laboratory Corporation of America, LabCorp); PubMed 19430481 (cited by Women's Health and Genetics/Laboratory Corporation of America, LabCorp and Labcorp Genetics (formerly Invitae), Labcorp); PubMed 31390572 (cited by Women's Health and Genetics/Laboratory Corporation of America, LabCorp and Labcorp Genetics (formerly Invitae), Labcorp); PubMed 36068917 (cited by Women's Health and Genetics/Laboratory Corporation of America, LabCorp); PubMed 36061204 (cited by Women's Health and Genetics/Laboratory Corporation of America, LabCorp).